The following is an entry in ClinVar:

ClinVar aggregate classification (germline): Likely benign. Review status: criteria provided, multiple submitters, no conflicts (2 of 4 stars). 2 submissions from 2 submitters: Likely benign (2). Last evaluated 2025-08-30.

Conditions:
Hereditary cancer-predisposing syndrome. Also called: Neoplastic Syndromes, Hereditary; Tumor predisposition; Hereditary Cancer Syndrome; Hereditary neoplastic syndrome. Identifiers: Orphanet 140162, MedGen C0027672, MeSH D009386, MONDO:0015356.
Cardiovascular phenotype. Identifiers: MedGen CN230736.

Submissions (2):

Ambry Genetics
Classification: Likely benign for Cardiovascular phenotype; Hereditary cancer-predisposing syndrome. Last evaluated: 2025-08-30. Review status: criteria provided, single submitter. Criteria: Ambry Variant Classification Scheme 2023. Collection method: clinical testing. Allele origin: germline.

CeGaT Center for Human Genetics Tuebingen
Classification: Likely benign. Last evaluated: 2025-08-01. Review status: criteria provided, single submitter. Criteria: CeGaT Center For Human Genetics Tuebingen Variant Classification Criteria Version 2. Collection method: clinical testing. Allele origin: germline. Affected: yes. Observed: 1 variant allele.
Comment: NF1: PM2:Supporting, BP4, BP7

NM_001042492.3(NF1):c.6801A>T (p.Ile2267=)

Gene: NF1 (neurofibromin 1; plus strand). Cytogenetic location: 17q11.2.
Variant type: single nucleotide variant.
Coding change: c.6801A>T on transcript NM_001042492.3 (MANE Select); coding-DNA position 6801, A replaced by T.
Protein change: p.Ile2267=; no amino-acid change (isoleucine 2267 retained).
Molecular consequence: synonymous variant.
Genome position (GRCh38, 1-based): chr17:31,338,121, A>T. VCF-style: chr17-31338121-A-T. GRCh37 (hg19) VCF-style: chr17-29665139-A-T.
Other names: c.6738A>T, p.Ile2246= (NM_000267.4).
Identifiers: ClinVar variation 4083890 (VCV004083890.9).
Genomic context (GRCh38, chr17:31,338,121, plus strand): 5'-AGCTCTTGTTGTCTTTGGGTGTATTAGCAAACGAGTGTCTCATGGGCAGATAAAGCAGAT[A>T]ATCCGTATTCTTAGCAAGGTACCTGTTCCGCCCTCACTTCTCCCAAATATTTATGGTTCT-3'
Protein context (NP_001035957.1, residues 2257-2277): KRVSHGQIKQ[Ile2267=]IRILSKALES